The following is an entry in ClinVar:

NM_001267550.2(TTN):c.68375G>A (p.Arg22792Lys)

Genes: TTN (titin; minus strand), TTN-AS1 (TTN antisense RNA 1; plus strand). Cytogenetic location: 2q31.2.
Variant type: single nucleotide variant.
Coding change: c.68375G>A on transcript NM_001267550.2 (MANE Select); coding-DNA position 68375, G replaced by A.
Protein change: p.Arg22792Lys; replaces arginine 22792 with lysine.
Molecular consequence: missense variant.
Genome position (GRCh38, 1-based): chr2:178,578,140, C>T on the plus strand (G>A on the coding strand, the complement: TTN is on the minus strand). VCF-style: chr2-178578140-C-T. GRCh37 (hg19) VCF-style: chr2-179442867-C-T.
Other names: c.63452G>A, p.Arg21151Lys (NM_001256850.1); c.41180G>A, p.Arg13727Lys (NM_003319.4); c.60671G>A, p.Arg20224Lys (NM_133378.4); c.41555G>A, p.Arg13852Lys (NM_133432.3); c.41756G>A, p.Arg13919Lys (NM_133437.4); short protein forms R21151K, R22792K, R13852K, R20224K, R13727K, R13919K.
Identifiers: ClinVar variation 515949 (VCV000515949.1), dbSNP rs749459226, ClinGen allele CA349672819.

ClinVar aggregate classification (germline): Likely benign (1 of 4 stars; one submission).

gnomAD v4.1: 1 of 1,613,110 alleles (0.000062%); highest among the groups gnomAD compares: Non-Finnish European, 0.000085%; no homozygotes.

Submission:

GeneDx
Classification: Likely benign. Last evaluated: 2018-03-09. Review status: criteria provided, single submitter. Criteria: GeneDx Variant Classification (06012015). Collection method: clinical testing. Allele origin: germline. Affected: yes.
Comment: This variant is considered likely benign or benign based on one or more of the following criteria: it is a conservative change, it occurs at a poorly conserved position in the protein, it is predicted to be benign by multiple in silico algorithms, and/or has population frequency not consistent with disease.